The following is an entry in ClinVar:

NM_001048174.2(MUTYH):c.517A>G (p.Met173Val)

Gene: MUTYH (mutY DNA glycosylase; minus strand). Cytogenetic location: 1p34.1.
Variant type: single nucleotide variant.
Coding change: c.517A>G on transcript NM_001048174.2 (MANE Select); coding-DNA position 517, A replaced by G.
Protein change: p.Met173Val; replaces methionine 173 with valine.
Molecular consequence: missense variant. On other transcripts: non-coding transcript variant (2).
Genome position (GRCh38, 1-based): chr1:45,332,663, T>C on the plus strand (A>G on the coding strand, the complement: MUTYH is on the minus strand). VCF-style: chr1-45332663-T-C. GRCh37 (hg19) VCF-style: chr1-45798335-T-C.
Other names: c.517A>G, p.Met173Val (NM_001048171.2, NM_001048173.2, NM_001293195.2); c.520A>G, p.Met174Val (NM_001048172.2); c.601A>G, p.Met201Val (NM_001128425.2); c.562A>G, p.Met188Val (NM_001293190.2); c.550A>G, p.Met184Val (NM_001293191.2); c.241A>G, p.Met81Val (NM_001293192.2, NM_001293196.2); c.172A>G, p.Met58Val (NM_001350650.2, NM_001350651.2); c.592A>G, p.Met198Val (NM_012222.3); short protein forms M201V, M173V, M184V, M58V, M198V, M174V, M188V, M81V.
Identifiers: ClinVar variation 142131 (VCV000142131.6), dbSNP rs587782258, ClinGen allele CA013944.

ClinVar aggregate classification (germline): Conflicting classifications of pathogenicity. Review status: criteria provided, conflicting classifications (1 of 4 stars). 2 submissions from 2 submitters: Uncertain significance (1); Likely benign (1). Last evaluated 2023-07-19.

Conditions:
Hereditary cancer-predisposing syndrome. Also called: Neoplastic Syndromes, Hereditary; Hereditary Cancer Syndrome; Tumor predisposition; Hereditary neoplastic syndrome. Identifiers: Orphanet 140162, MedGen C0027672, MeSH D009386, MONDO:0015356.
Familial adenomatous polyposis 2. Also called: MUTYH-associated polyposis; MUTYH Polyposis; FAP type 2; Adenomas, multiple colorectal; COLORECTAL ADENOMATOUS POLYPOSIS, AUTOSOMAL RECESSIVE; ADENOMAS, MULTIPLE COLORECTAL, AUTOSOMAL RECESSIVE. Identifiers: Orphanet 220460, Orphanet 247798, MedGen C3272841, MONDO:0012041, OMIM 608456.

Allele frequency attached by ClinVar (database versions not stated): gnomAD exomes below 0.00001.

Submissions (2):

All of Us Research Program, National Institutes of Health
Classification: Uncertain significance for Familial adenomatous polyposis 2. Last evaluated: 2023-07-19. Review status: criteria provided, single submitter. Criteria: ACMG Guidelines, 2015. Collection method: clinical testing. Allele origin: germline. Inheritance: Autosomal recessive inheritance. Observed: 1 variant allele, 1 heterozygote.
Comment: This missense variant replaces methionine with valine at codon 201 of the MUTYH protein. Computational prediction suggests that this variant may not impact protein structure and function (internally defined REVEL score threshold <= 0.5, PMID: 27666373). To our knowledge, functional studies have not been reported for this variant. This variant has not been reported in individuals affected with MUTYH-related disorders in the literature. This variant has not been identified in the general population by the Genome Aggregation Database (gnomAD). The available evidence is insufficient to determine the role of this variant in disease conclusively. Therefore, this variant is classified as a Variant of Uncertain Significance.

This study involves interpretation of variants in research participants for the purpose of population health screening. Participant phenotype was not available at the time of variant classification. Additional details can be found in publication PMID: 35346344, PMCID: PMC8962531

Ambry Genetics
Classification: Likely benign for Hereditary cancer-predisposing syndrome. Last evaluated: 2019-09-26. Review status: criteria provided, single submitter. Criteria: Ambry Variant Classification Scheme 2023. Collection method: clinical testing. Allele origin: germline.